The following is an entry in ClinVar:

ClinVar aggregate classification (germline): Uncertain significance (1 of 4 stars; one submission).

Allele frequency attached by ClinVar (database versions not stated): gnomAD exomes below 0.00001; gnomAD 0.00001; TOPMed 0.00002.
gnomAD v4.1: 2 of 1,613,412 alleles (0.00012%); highest among the groups gnomAD compares: African/African-American, 0.0027%; no homozygotes.

Submission:

Laboratory for Molecular Medicine, Mass General Brigham Personalized Medicine
Classification: Uncertain significance. Last evaluated: 2016-03-28. Review status: criteria provided, single submitter. Criteria: LMM Criteria. Collection method: clinical testing. Allele origin: germline. Observed: 1 variant allele.
Comment: Disclaimer: This variant has not undergone full assessment. The following are pr eliminary notes: Has not been reported previously, but extremely rare variant. C OL2A1 is stronlgy associated with several types of skeletal dysplasias that may present with hip dysplasia. The majority of variants in the gene are missense, a ltering a Glycine residue. This variant may be worth testing in the parents to c heck de novo occurrence.

NM_001844.5(COL2A1):c.3205G>C (p.Ala1069Pro)

Gene: COL2A1 (collagen type II alpha 1 chain; minus strand). Cytogenetic location: 12q13.11.
Variant type: single nucleotide variant.
Coding change: c.3205G>C on transcript NM_001844.5 (MANE Select); coding-DNA position 3205, G replaced by C.
Protein change: p.Ala1069Pro; replaces alanine 1069 with proline.
Molecular consequence: missense variant.
Genome position (GRCh38, 1-based): chr12:47,977,388, C>G on the plus strand (G>C on the coding strand, the complement: COL2A1 is on the minus strand). VCF-style: chr12-47977388-C-G. GRCh37 (hg19) VCF-style: chr12-48371171-C-G.
Other names: c.2998G>C, p.Ala1000Pro (NM_033150.3); short protein forms A1069P, A1000P.
Identifiers: ClinVar variation 402554 (VCV000402554.4), dbSNP rs200112269, ClinGen allele CA6534840.